The following is an entry in ClinVar:

ClinVar aggregate classification (germline): Uncertain significance (1 of 4 stars; one submission).

Conditions:
Norman-Roberts syndrome (LIS2). Also called: Lissencephaly 2 (Norman-Roberts type). Identifiers: Orphanet 89844, MedGen C0796089, MONDO:0009760, OMIM 257320.
Familial temporal lobe epilepsy 7. Identifiers: Orphanet 101046, MedGen C4225327, MONDO:0014639, OMIM 616436.

Allele frequency attached by ClinVar (database versions not stated): gnomAD exomes below 0.00001; TOPMed below 0.00001.
gnomAD v4.1: 2 of 1,614,126 alleles (0.00012%); highest among the groups gnomAD compares: Non-Finnish European, 0.00017%; no homozygotes.

Submission:

Labcorp Genetics (formerly Invitae), Labcorp
Classification: Uncertain significance for Familial temporal lobe epilepsy 7; Norman-Roberts syndrome. Last evaluated: 2020-02-21. Review status: criteria provided, single submitter. Criteria: Invitae Variant Classification Sherloc (09022015). Collection method: clinical testing. Allele origin: germline.
Comment: This variant is not present in population databases (ExAC no frequency). In summary, the available evidence is currently insufficient to determine the role of this variant in disease. Therefore, it has been classified as a Variant of Uncertain Significance. Algorithms developed to predict the effect of missense changes on protein structure and function are either unavailable or do not agree on the potential impact of this missense change (SIFT: "Deleterious"; PolyPhen-2: "Benign"; Align-GVGD: "Class C0"). This variant has not been reported in the literature in individuals with RELN-related conditions. This sequence change replaces serine with phenylalanine at codon 58 of the RELN protein (p.Ser58Phe). The serine residue is weakly conserved and there is a large physicochemical difference between serine and phenylalanine.

NM_005045.4(RELN):c.173C>T (p.Ser58Phe)

Gene: RELN (reelin; minus strand). Cytogenetic location: 7q22.1.
Variant type: single nucleotide variant.
Coding change: c.173C>T on transcript NM_005045.4 (MANE Select); coding-DNA position 173, C replaced by T.
Protein change: p.Ser58Phe; replaces serine 58 with phenylalanine.
Molecular consequence: missense variant.
Genome position (GRCh38, 1-based): chr7:103,989,184, G>A on the plus strand (C>T on the coding strand, the complement: RELN is on the minus strand). VCF-style: chr7-103989184-G-A. GRCh37 (hg19) VCF-style: chr7-103629631-G-A.
Other names: c.173C>T, p.Ser58Phe (NM_173054.3); short protein forms S58F.
Identifiers: ClinVar variation 1052202 (VCV001052202.9), dbSNP rs1797168998, ClinGen allele CA368931315.